The following is an entry in ClinVar:

ClinVar aggregate classification (germline): Uncertain significance (1 of 4 stars; one submission).

Submission:

Genetic Services Laboratory, University of Chicago
Classification: Uncertain significance. Last evaluated: 2021-10-08. Review status: criteria provided, single submitter. Criteria: ACMG Guidelines, 2015. Collection method: clinical testing. Allele origin: germline. Affected: no.
Comment: DNA sequence analysis of the MECOM gene demonstrated a sequence change, c.680G>A, in exon 7 that results in an amino acid change, p.Ser227Asn. This sequence change does not appear to have been previously described in individuals with MECOM-related disorders and has also not been described in population databases such as ExAC and gnomAD (dbSNP rs1446914453). The p.Ser227Asn change affects a highly conserved amino acid residue located in a domain of the MECOM protein that is known to be functional. In-silico pathogenicity prediction tools (SIFT, PolyPhen2, Align GVGD, REVEL) provide contradictory results for the p.Ser227Asn substitution. Due to insufficient evidences and the lack of functional studies, the clinical significance of the p.Ser227Asn change remains unknown at this time.

NM_004991.4(MECOM):c.1244G>A (p.Ser415Asn)

Gene: MECOM (MDS1 and EVI1 complex locus; minus strand). Cytogenetic location: 3q26.2.
Variant type: single nucleotide variant.
Coding change: c.1244G>A on transcript NM_004991.4 (MANE Select); coding-DNA position 1244, G replaced by A.
Protein change: p.Ser415Asn; replaces serine 415 with asparagine.
Molecular consequence: missense variant. On other transcripts: intron variant (2).
Genome position (GRCh38, 1-based): chr3:169,116,628, C>T on the plus strand (G>A on the coding strand, the complement: MECOM is on the minus strand). VCF-style: chr3-169116628-C-T. GRCh37 (hg19) VCF-style: chr3-168834416-C-T.
Other names: c.875G>A, p.Ser292Asn (NM_001105077.4); c.680G>A, p.Ser227Asn (NM_001105078.4, NM_001164000.2, NM_001205194.2 and 4 more transcripts); c.683G>A, p.Ser228Asn (NM_001163999.2, NM_001366467.2, NM_001366468.2 and 1 more transcripts); c.1244G>A, p.Ser415Asn (NM_001366466.2); c.1133-861G>A (NM_001366473.2); c.569-861G>A (NM_001366474.2); short protein forms S227N, S228N, S292N, S415N.
Identifiers: ClinVar variation 1338105 (VCV001338105.4), dbSNP rs1446914453, ClinGen allele CA355063651.